The following is an entry in ClinVar:

ClinVar aggregate classification (germline): Conflicting classifications of pathogenicity. Review status: criteria provided, conflicting classifications (1 of 4 stars). 4 submissions from 4 submitters: Uncertain significance (3); Likely benign (1). Last evaluated 2025-07-22.

Conditions:
Alstrom syndrome (ALMS). Identifiers: Orphanet 64, MedGen C0268425, MONDO:0008763, OMIM 203800.
ALMS1-related disorder. Also called: ALMS1-related condition.
Cardiovascular phenotype. Identifiers: MedGen CN230736.

Allele frequency attached by ClinVar (database versions not stated): gnomAD exomes below 0.00001; gnomAD 0.00001; TOPMed 0.00002.
gnomAD v4.1: 2 of 1,593,416 alleles (0.00013%); highest among the groups gnomAD compares: Admixed American, 0.0035%; no homozygotes.

Submissions (4):

Ambry Genetics
Classification: Likely benign for Cardiovascular phenotype. Last evaluated: 2025-07-22. Review status: criteria provided, single submitter. Criteria: Ambry Variant Classification Scheme 2023. Collection method: clinical testing. Allele origin: germline.

GeneDx
Classification: Uncertain significance. Last evaluated: 2025-03-13. Review status: criteria provided, single submitter. Criteria: GeneDx Variant Classification Process June 2021. Collection method: clinical testing. Allele origin: germline. Affected: yes.
Comment: Not observed at significant frequency in large population cohorts (gnomAD); In silico analysis indicates that this missense variant does not alter protein structure/function; Has not been previously published as pathogenic or benign to our knowledge

PreventionGenetics, part of Exact Sciences
Classification: Uncertain significance for ALMS1-related condition. Last evaluated: 2023-11-09. Review status: criteria provided, single submitter. Criteria: ACMG Guidelines, 2015. Collection method: clinical testing. Allele origin: germline.
Comment: The ALMS1 c.1237A>G variant is predicted to result in the amino acid substitution p.Lys413Glu. To our knowledge, this variant has not been reported in the literature. This variant is reported in 0.0036% of alleles in individuals of South Asian descent in gnomAD. At this time, the clinical significance of this variant is uncertain due to the absence of conclusive functional and genetic evidence.

Labcorp Genetics (formerly Invitae), Labcorp
Classification: Uncertain significance for Alstrom syndrome. Last evaluated: 2021-12-18. Review status: criteria provided, single submitter. Criteria: Invitae Variant Classification Sherloc (09022015). Collection method: clinical testing. Allele origin: germline.
Comment: This sequence change replaces threonine, which is neutral and polar, with alanine, which is neutral and non-polar, at codon 413 of the ALMS1 protein (p.Thr413Ala). The frequency data for this variant in the population databases is considered unreliable, as metrics indicate poor data quality at this position in the gnomAD database. This variant has not been reported in the literature in individuals affected with ALMS1-related conditions. Experimental studies and prediction algorithms are not available or were not evaluated, and the functional significance of this variant is currently unknown. In summary, the available evidence is currently insufficient to determine the role of this variant in disease. Therefore, it has been classified as a Variant of Uncertain Significance.

NM_001378454.1(ALMS1):c.1234A>G (p.Thr412Ala)

Gene: ALMS1 (ALMS1 centrosome and basal body associated protein; plus strand). Cytogenetic location: 2p13.1.
Variant type: single nucleotide variant.
Coding change: c.1234A>G on transcript NM_001378454.1 (MANE Select); coding-DNA position 1234, A replaced by G.
Protein change: p.Thr412Ala; replaces threonine 412 with alanine.
Molecular consequence: missense variant.
Genome position (GRCh38, 1-based): chr2:73,424,899, A>G. VCF-style: chr2-73424899-A-G. GRCh37 (hg19) VCF-style: chr2-73652027-A-G.
Other names: c.1237A>G, p.Thr413Ala (NM_015120.4); short protein forms T413A, T412A.
Identifiers: ClinVar variation 2097072 (VCV002097072.4), dbSNP rs1347290964, ClinGen allele CA347261791.